The following is an entry in ClinVar:

NM_000528.4(MAN2B1):c.966T>C (p.Tyr322=)

Gene: MAN2B1 (mannosidase alpha class 2B member 1; minus strand). Cytogenetic location: 19p13.13.
Variant type: single nucleotide variant.
Coding change: c.966T>C on transcript NM_000528.4 (MANE Select); coding-DNA position 966, T replaced by C.
Protein change: p.Tyr322=; no amino-acid change (tyrosine 322 retained).
Molecular consequence: synonymous variant.
Genome position (GRCh38, 1-based): chr19:12,661,320, A>G on the plus strand (T>C on the coding strand, the complement: MAN2B1 is on the minus strand). VCF-style: chr19-12661320-A-G. GRCh37 (hg19) VCF-style: chr19-12772134-A-G.
Other names: c.966T>C, p.Tyr322= (NM_001173498.2).
Identifiers: ClinVar variation 797656 (VCV000797656.12), dbSNP rs762918325, ClinGen allele CA9226648.

ClinVar aggregate classification (germline): Likely benign. Review status: criteria provided, multiple submitters, no conflicts (2 of 4 stars). 4 submissions from 4 submitters: Likely benign (3). 1 of the submissions does not count toward it. Last evaluated 2026-09-09.

Conditions:
MAN2B1-related disorder. Also called: MAN2B1-related condition.
Deficiency of alpha-mannosidase (MANSA). Also called: Alpha-Mannosidosis; LYSOSOMAL ALPHA-D-MANNOSIDASE DEFICIENCY; Mannosidosis, alpha-, types I and II. Identifiers: Orphanet 61, MedGen C0024748, MONDO:0009561, OMIM 248500.

Allele frequency attached by ClinVar (database versions not stated): ExAC 0.00002; gnomAD exomes 0.00002 and 0.00004; TOPMed 0.00003; gnomAD 0.00004.
gnomAD v4.1: 67 of 1,613,394 alleles (0.0042%); highest among the groups gnomAD compares: Non-Finnish European, 0.0054%; no homozygotes.

Submissions (4):

PreventionGenetics, part of Exact Sciences
Classification: Likely benign for MAN2B1-related condition. Last evaluated: 2026-09-09. Review status: criteria provided, single submitter. Criteria: ACMG Guidelines, 2015. Collection method: clinical testing. Allele origin: germline.
Comment: This variant is classified as likely benign based on ACMG/AMP sequence variant interpretation guidelines (Richards et al. 2015 PMID: 25741868, with internal and published modifications).

Blueprint Genetics
Classification: Likely benign. Last evaluated: 2024-05-06. Review status: criteria provided, single submitter. Criteria: ACMG Guidelines, 2015. Collection method: clinical testing. Allele origin: germline.

Labcorp Genetics (formerly Invitae), Labcorp
Classification: Likely benign for Deficiency of alpha-mannosidase. Last evaluated: 2024-02-14. Review status: criteria provided, single submitter. Criteria: Invitae Variant Classification Sherloc (09022015). Collection method: clinical testing. Allele origin: germline.

Natera, Inc.
Classification: Likely benign for Alpha-mannosidosis. Last evaluated: 2020-09-16. Review status: no assertion criteria provided. Collection method: clinical testing. Allele origin: germline. Not counted in ClinVar's aggregate classification.